The following is an entry in ClinVar:

ClinVar aggregate classification (germline): Uncertain significance (1 of 4 stars; one submission).

Conditions:
Dilated cardiomyopathy 1JJ (CMD1JJ). Identifiers: Orphanet 154, MedGen C3808935, MONDO:0014095, OMIM 615235.

Submission:

Labcorp Genetics (formerly Invitae), Labcorp
Classification: Uncertain significance for Dilated cardiomyopathy 1JJ. Last evaluated: 2022-08-22. Review status: criteria provided, single submitter. Criteria: Invitae Variant Classification Sherloc (09022015). Collection method: clinical testing. Allele origin: germline.
Comment: In summary, the available evidence is currently insufficient to determine the role of this variant in disease. Therefore, it has been classified as a Variant of Uncertain Significance. Algorithms developed to predict the effect of missense changes on protein structure and function (SIFT, PolyPhen-2, Align-GVGD) all suggest that this variant is likely to be tolerated. This variant has not been reported in the literature in individuals affected with LAMA4-related conditions. This variant is not present in population databases (gnomAD no frequency). This sequence change replaces valine, which is neutral and non-polar, with leucine, which is neutral and non-polar, at codon 1053 of the LAMA4 protein (p.Val1053Leu).

NM_001105206.3(LAMA4):c.3178G>T (p.Val1060Leu)

Gene: LAMA4 (laminin subunit alpha 4; minus strand). Cytogenetic location: 6q21.
Variant type: single nucleotide variant.
Coding change: c.3178G>T on transcript NM_001105206.3 (MANE Select); coding-DNA position 3178, G replaced by T.
Protein change: p.Val1060Leu; replaces valine 1060 with leucine.
Molecular consequence: missense variant.
Genome position (GRCh38, 1-based): chr6:112,139,224, C>A on the plus strand (G>T on the coding strand, the complement: LAMA4 is on the minus strand). VCF-style: chr6-112139224-C-A. GRCh37 (hg19) VCF-style: chr6-112460426-C-A.
Other names: c.3157G>T, p.Val1053Leu (NM_001105207.3, NM_002290.5); short protein forms V1053L, V1060L.
Identifiers: ClinVar variation 2200033 (VCV002200033.4), dbSNP rs1554332378, ClinGen allele CA365379025.